The following is an entry in ClinVar:

ClinVar aggregate classification (germline): Uncertain significance (1 of 4 stars; one submission).

Conditions:
Marfan syndrome (MFS). Also called: FBN1-Related Marfan Syndrome; MARFAN SYNDROME, TYPE I; Marfan syndrome type 1; Marfan's syndrome; Marfan syndrome, classic. Identifiers: Orphanet 284963, Orphanet 558, MedGen C0024796, MONDO:0007947, OMIM 154700.
Familial thoracic aortic aneurysm and aortic dissection (TAAD). Also called: Thoracic aortic aneurysms and dissections. Identifiers: Orphanet 91387, MedGen C4707243, MONDO:0019625.

Submission:

Labcorp Genetics (formerly Invitae), Labcorp
Classification: Uncertain significance for Marfan syndrome; Familial thoracic aortic aneurysm and aortic dissection. Last evaluated: 2020-08-03. Review status: criteria provided, single submitter. Criteria: Invitae Variant Classification Sherloc (09022015). Collection method: clinical testing. Allele origin: germline.
Comment: This variant has not been reported in the literature in individuals with FBN1-related conditions. Advanced modeling of protein sequence and biophysical properties (such as structural, functional, and spatial information, amino acid conservation, physicochemical variation, residue mobility, and thermodynamic stability) performed at Invitae indicates that this missense variant is expected to disrupt FBN1 protein function. This variant disrupts the p.Arg1428 amino acid residue in FBN1. Other variant(s) that disrupt this residue have been observed in individuals with FBN1-related conditions (PMID: 27112580, 29357934), which suggests that this may be a clinically significant amino acid residue. In summary, the available evidence is currently insufficient to determine the role of this variant in disease. Therefore, it has been classified as a Variant of Uncertain Significance. This variant is not present in population databases (ExAC no frequency). This sequence change replaces arginine with glycine at codon 1428 of the FBN1 protein (p.Arg1428Gly). The arginine residue is highly conserved and there is a moderate physicochemical difference between arginine and glycine.

Literature cited by the submitters: PubMed 27112580; PubMed 29357934.

NM_000138.5(FBN1):c.4282C>G (p.Arg1428Gly)

Genes: FBN1 (fibrillin 1; minus strand), LOC126862124 (CDK7 strongly-dependent group 2 enhancer GRCh37_chr15:48764566-48765765; plus strand). Cytogenetic location: 15q21.1.
Variant type: single nucleotide variant.
Coding change: c.4282C>G on transcript NM_000138.5 (MANE Select); coding-DNA position 4282, C replaced by G.
Protein change: p.Arg1428Gly; replaces arginine 1428 with glycine.
Molecular consequence: missense variant.
Genome position (GRCh38, 1-based): chr15:48,472,605, G>C on the plus strand (C>G on the coding strand, the complement: FBN1 is on the minus strand). VCF-style: chr15-48472605-G-C. GRCh37 (hg19) VCF-style: chr15-48764802-G-C.
Other names: short protein forms R1428G.
Identifiers: ClinVar variation 1001086 (VCV001001086.9), dbSNP rs1258352189, ClinGen allele CA392317760.